The following is an entry in ClinVar:

ClinVar aggregate classification (germline): Benign (1 of 4 stars; one submission).

Conditions:
Platelet-type bleeding disorder 9 (BDPLT9). Also called: GLYCOPROTEIN Ia DEFICIENCY; GP Ia DEFICIENCY; COLLAGEN PLATELET RECEPTOR DEFICIENCY. Identifiers: Orphanet 73271, Orphanet 98886, MedGen C3280114, MONDO:0013622, OMIM 614200.

Allele frequency attached by ClinVar (database versions not stated): gnomAD 0.00038 and 0.00046; TOPMed 0.00041; 1000 Genomes Project 0.00060; 1000 Genomes Project 30x 0.00062.

Submission:

Illumina Laboratory Services, Illumina
Classification: Benign for Platelet-type bleeding disorder 9. Last evaluated: 2018-01-12. Review status: criteria provided, single submitter. Criteria: ICSL Variant Classification Criteria 13 December 2019. Collection method: clinical testing. Allele origin: germline.
Comment: This variant was observed in the ICSL laboratory as part of a predisposition screen in an ostensibly healthy population. It had not been previously curated by ICSL or reported in the Human Gene Mutation Database (HGMD: prior to June 1st, 2018), and was therefore a candidate for classification through an automated scoring system. Utilizing variant allele frequency, disease prevalence and penetrance estimates, and inheritance mode, an automated score was calculated to assess if this variant is too frequent to cause the disease. Based on the score and internal cut-off values, a variant classified as benign is not then subjected to further curation. The score for this variant resulted in a classification of benign for this disease.

NM_002203.4(ITGA2):c.*1749T>C

Gene: ITGA2 (integrin subunit alpha 2; plus strand). Cytogenetic location: 5q11.2.
Variant type: single nucleotide variant.
Coding change: c.*1749T>C on transcript NM_002203.4 (MANE Select); 1749 bases downstream of the stop codon, T replaced by C.
Molecular consequence: 3 prime UTR variant. On other transcripts: non-coding transcript variant (5).
Genome position (GRCh38, 1-based): chr5:53,092,348, T>C. VCF-style: chr5-53092348-T-C. GRCh37 (hg19) VCF-style: chr5-52388178-T-C.
Identifiers: ClinVar variation 353808 (VCV000353808.5), dbSNP rs548494960, ClinGen allele CA10624913.